The following is an entry in ClinVar:

ClinVar aggregate classification (germline): Likely pathogenic (1 of 4 stars; one submission).

Conditions:
SOX2-related disorder. Also called: SOX2-related condition.

Submission:

PreventionGenetics, part of Exact Sciences
Classification: Likely pathogenic for SOX2-related condition. Last evaluated: 2025-05-17. Review status: criteria provided, single submitter. Criteria: ACMG Guidelines, 2015. Collection method: clinical testing. Allele origin: germline.
Comment: The SOX2 c.261G>T variant is predicted to result in the amino acid substitution p.Lys87Asn. To our knowledge, this variant has not been reported in the literature or in a large population database (gnomAD), indicating this variant is rare. A different substitution (Glu) at this amino acid position has been reported as de novo and likely pathogenic in a patient with features of SOX2 related disorder (Tang et al. 2023. PubMed ID: 37493574). This variant is interpreted as likely pathogenic.

NM_003106.4(SOX2):c.261G>T (p.Lys87Asn)

Genes: SOX2 (SRY-box transcription factor 2; plus strand), SOX2-OT (SOX2 overlapping transcript; plus strand), LOC108281177 (SOX2 5' regulatory region; plus strand). Cytogenetic location: 3q26.33.
Variant type: single nucleotide variant.
Coding change: c.261G>T on transcript NM_003106.4 (MANE Select); coding-DNA position 261, G replaced by T.
Protein change: p.Lys87Asn; replaces lysine 87 with asparagine.
Molecular consequence: missense variant.
Genome position (GRCh38, 1-based): chr3:181,712,621, G>T. VCF-style: chr3-181712621-G-T. GRCh37 (hg19) VCF-style: chr3-181430409-G-T.
Other names: short protein forms K87N.
Identifiers: ClinVar variation 4986113 (VCV004986113.1).